The following is an entry in ClinVar:

ClinVar aggregate classification (germline): Uncertain significance. Review status: criteria provided, multiple submitters, no conflicts (2 of 4 stars). 2 submissions from 2 submitters: Uncertain significance (2). Last evaluated 2025-07-15.

Conditions:
Diffuse cerebral and cerebellar atrophy - intractable seizures - progressive microcephaly syndrome. Also called: Microcephaly, progressive, with seizures and cerebral and cerebellar atrophy. Identifiers: Orphanet 404437, MedGen C4014239, MONDO:0014335, OMIM 615760.
Inborn genetic diseases. Identifiers: MedGen C0950123, MeSH D030342.

Submissions (2):

Ambry Genetics
Classification: Uncertain significance for Inborn genetic diseases. Last evaluated: 2025-07-15. Review status: criteria provided, single submitter. Criteria: Ambry Variant Classification Scheme 2023. Collection method: clinical testing. Allele origin: germline.

Labcorp Genetics (formerly Invitae), Labcorp
Classification: Uncertain significance for Diffuse cerebral and cerebellar atrophy - intractable seizures - progressive microcephaly syndrome. Last evaluated: 2023-05-22. Review status: criteria provided, single submitter. Criteria: Invitae Variant Classification Sherloc (09022015). Collection method: clinical testing. Allele origin: germline.
Comment: This variant has not been reported in the literature in individuals affected with QARS-related conditions. ClinVar contains an entry for this variant (Variation ID: 1396405). Algorithms developed to predict the effect of missense changes on protein structure and function output the following: SIFT: "Not Available"; PolyPhen-2: "Benign"; Align-GVGD: "Not Available". The arginine amino acid residue is found in multiple mammalian species, which suggests that this missense change does not adversely affect protein function. In summary, the available evidence is currently insufficient to determine the role of this variant in disease. Therefore, it has been classified as a Variant of Uncertain Significance. This variant is not present in population databases (gnomAD no frequency). This sequence change replaces lysine, which is basic and polar, with arginine, which is basic and polar, at codon 331 of the QARS protein (p.Lys331Arg).

NM_005051.3(QARS1):c.992A>G (p.Lys331Arg)

Gene: QARS1 (glutaminyl-tRNA synthetase 1; minus strand). Cytogenetic location: 3p21.31.
Variant type: single nucleotide variant.
Coding change: c.992A>G on transcript NM_005051.3 (MANE Select); coding-DNA position 992, A replaced by G.
Protein change: p.Lys331Arg; replaces lysine 331 with arginine.
Molecular consequence: missense variant. On other transcripts: non-coding transcript variant (1).
Genome position (GRCh38, 1-based): chr3:49,100,443, T>C on the plus strand (A>G on the coding strand, the complement: QARS1 is on the minus strand). VCF-style: chr3-49100443-T-C. GRCh37 (hg19) VCF-style: chr3-49137876-T-C.
Other names: c.959A>G, p.Lys320Arg (NM_001272073.2); c.992A>G (NM_005051.1); short protein forms K331R, K320R.
Identifiers: ClinVar variation 1396405 (VCV001396405.7), dbSNP rs2107103604, ClinGen allele CA352711321.